The following is an entry in ClinVar:

NM_005869.4(CWC27):c.805C>T (p.His269Tyr)

Gene: CWC27 (CWC27 spliceosome associated cyclophilin; plus strand). Cytogenetic location: 5q12.3.
Variant type: single nucleotide variant.
Coding change: c.805C>T on transcript NM_005869.4 (MANE Select); coding-DNA position 805, C replaced by T.
Protein change: p.His269Tyr; replaces histidine 269 with tyrosine.
Molecular consequence: missense variant.
Genome position (GRCh38, 1-based): chr5:64,804,253, C>T. VCF-style: chr5-64804253-C-T. GRCh37 (hg19) VCF-style: chr5-64100080-C-T.
Other names: c.805C>T, p.His269Tyr (NM_001297644.1, NM_001297645.2, NM_001318000.2 and 1 more transcripts); short protein forms H269Y.
Identifiers: ClinVar variation 1950213 (VCV001950213.5), dbSNP rs760775772, ClinGen allele CA359833240.
Genomic context (GRCh38, chr5:64,804,253, plus strand): 5'-GAGCACCTGGCAAATACTCATTTTCCATTTCTACAGGATGGAGAAGATGAAAGTGCAGAG[C>T]ATGATGAATATATTGATGGTGATGAAAAGAACCTGATGAGAGAAAGAATTGCCAAAAAAT-3'
Protein context (NP_005860.2, residues 259-279): VDDGEDESAE[His269Tyr]DEYIDGDEKN

ClinVar aggregate classification (germline): Uncertain significance (1 of 4 stars; one submission).

Allele frequency attached by ClinVar (database versions not stated): TOPMed below 0.00001.
gnomAD v4.1: 1 of 1,610,580 alleles (0.000062%); highest among the groups gnomAD compares: African/African-American, 0.0013%; no homozygotes.

Submission:

Labcorp Genetics (formerly Invitae), Labcorp
Classification: Uncertain significance. Last evaluated: 2022-05-03. Review status: criteria provided, single submitter. Criteria: Invitae Variant Classification Sherloc (09022015). Collection method: clinical testing. Allele origin: germline.
Comment: This sequence change replaces histidine, which is basic and polar, with tyrosine, which is neutral and polar, at codon 269 of the CWC27 protein (p.His269Tyr). In summary, the available evidence is currently insufficient to determine the role of this variant in disease. Therefore, it has been classified as a Variant of Uncertain Significance. Algorithms developed to predict the effect of missense changes on protein structure and function output the following: SIFT: "Tolerated"; PolyPhen-2: "Benign"; Align-GVGD: "Class C0". The tyrosine amino acid residue is found in multiple mammalian species, which suggests that this missense change does not adversely affect protein function. This variant has not been reported in the literature in individuals affected with CWC27-related conditions. This variant is not present in population databases (gnomAD no frequency).